The following is an entry in ClinVar:

ClinVar aggregate classification (germline): Conflicting classifications of pathogenicity. Review status: criteria provided, conflicting classifications (1 of 4 stars). 5 submissions from 5 submitters: Uncertain significance (1); Benign (1); Likely benign (3). Last evaluated 2025-12-09.

Conditions:
Gastrointestinal stromal tumor. Also called: Gastrointestinal stroma tumor; Gastrointestinal stromal tumor, somatic. Identifiers: Orphanet 44890, MedGen C0238198, MeSH D046152, MONDO:0011719, OMIM 606764, HP:0100723.
Pheochromocytoma/paraganglioma syndrome 3. Also called: GLOMUS TUMORS, FAMILIAL, 3; Paragangliomas 3; SDHC-Related Hereditary Paraganglioma-Pheochromocytoma Syndrome (Paragangliomas 3); SDHC-Related Hereditary Paraganglioma-Pheochromocytoma Syndrome. Identifiers: Orphanet 29072, MedGen C1854336, MONDO:0011544, OMIM 605373.
Cowden syndrome (CS). Also called: Cowden's disease; Cowden's syndrome; Cowden disease. Identifiers: Orphanet 201, MedGen C0018553, MONDO:0016063. Disease mechanism: gain of function.
Hereditary cancer-predisposing syndrome. Also called: Hereditary Cancer Syndrome; Tumor predisposition; Hereditary neoplastic syndrome; Neoplastic Syndromes, Hereditary. Identifiers: Orphanet 140162, MedGen C0027672, MeSH D009386, MONDO:0015356.
Hereditary pheochromocytoma and paraganglioma. Also called: Hereditary Paraganglioma-Pheochromocytoma Syndromes; Hereditary paragangliomas and pheochromocytomas; Hereditary pheochromocytoma-paraganglioma. Identifiers: Orphanet 29072, MedGen C4274332, MONDO:0017366.

Allele frequency attached by ClinVar (database versions not stated): TOPMed below 0.00001; gnomAD 0.00002; gnomAD exomes 0.00002.
gnomAD v4.1: 30 of 1,613,678 alleles (0.0019%); highest among the groups gnomAD compares: Admixed American, 0.0033%; no homozygotes.

Submissions (5):

Labcorp Genetics (formerly Invitae), Labcorp
Classification: Likely benign for Pheochromocytoma/paraganglioma syndrome 3; Gastrointestinal stromal tumor. Last evaluated: 2025-12-09. Review status: criteria provided, single submitter. Criteria: Invitae Variant Classification Sherloc (09022015). Collection method: clinical testing. Allele origin: germline.

Color Diagnostics, LLC DBA Color Health
Classification: Likely benign for Hereditary pheochromocytoma and paraganglioma. Last evaluated: 2025-08-27. Review status: criteria provided, single submitter. Criteria: ACMG Guidelines, 2015. Collection method: clinical testing. Allele origin: germline.

Myriad Genetics, Inc.
Classification: Benign for Pheochromocytoma/paraganglioma syndrome 3. Last evaluated: 2025-03-14. Review status: criteria provided, single submitter. Criteria: Myriad Autosomal Dominant, Autosomal Recessive and X-Linked Classification Criteria (2023). Collection method: clinical testing. Allele origin: unknown.
Comment: This variant is considered benign. This variant is a silent/synonymous amino acid change and it is not expected to impact splicing.

Department of Pathology and Laboratory Medicine, Sinai Health System
Classification: Uncertain significance for Cowden syndrome. Last evaluated: 2024-04-18. Review status: criteria provided, single submitter. Criteria: ACMG Guidelines, 2015. Collection method: clinical testing. Allele origin: germline. Affected: yes.

Ambry Genetics
Classification: Likely benign for Hereditary cancer-predisposing syndrome. Last evaluated: 2023-04-05. Review status: criteria provided, single submitter. Criteria: Ambry Variant Classification Scheme 2023. Collection method: clinical testing. Allele origin: germline.

NM_003001.5(SDHC):c.264G>A (p.Ser88=)

Gene: SDHC (succinate dehydrogenase complex subunit C; plus strand). Cytogenetic location: 1q23.3.
Variant type: single nucleotide variant.
Coding change: c.264G>A on transcript NM_003001.5 (MANE Select); coding-DNA position 264, G replaced by A.
Protein change: p.Ser88=; no amino-acid change (serine 88 retained).
Molecular consequence: synonymous variant. On other transcripts: non-coding transcript variant (1), intron variant (3).
Genome position (GRCh38, 1-based): chr1:161,356,699, G>A. VCF-style: chr1-161356699-G-A. GRCh37 (hg19) VCF-style: chr1-161326489-G-A.
Other names: c.162G>A, p.Ser54= (NM_001035512.3); c.105G>A, p.Ser35= (NM_001035513.3); c.384G>A, p.Ser128= (NM_001407115.1); c.207G>A, p.Ser69= (NM_001407116.1); c.201G>A, p.Ser67= (NM_001407117.1); c.156G>A, p.Ser52= (NM_001407118.1); c.153G>A, p.Ser51= (NM_001407119.1, NM_001407120.1); c.242-5630G>A (NM_001035511.3); and 2 more.
Identifiers: ClinVar variation 465969 (VCV000465969.18), dbSNP rs1277488324, ClinGen allele CA421501010.